The following is an entry in ClinVar:

ClinVar aggregate classification (germline): Uncertain significance (1 of 4 stars; one submission).

Submission:

Labcorp Genetics (formerly Invitae), Labcorp
Classification: Uncertain significance. Last evaluated: 2025-07-02. Review status: criteria provided, single submitter. Criteria: Invitae Variant Classification Sherloc (09022015). Collection method: clinical testing. Allele origin: germline.
Comment: This sequence change replaces arginine, which is basic and polar, with cysteine, which is neutral and slightly polar, at codon 245 of the NSMF protein (p.Arg245Cys). This variant is present in population databases (rs763385279, gnomAD 0.006%). This variant has not been reported in the literature in individuals affected with NSMF-related conditions. An algorithm developed to predict the effect of missense changes on protein structure and function (PolyPhen-2) suggests that this variant is likely to be disruptive. In summary, the available evidence is currently insufficient to determine the role of this variant in disease. Therefore, it has been classified as a Variant of Uncertain Significance.

NM_001130969.3(NSMF):c.739C>T (p.Arg247Cys)

Gene: NSMF (NMDA receptor synaptonuclear signaling and neuronal migration factor; minus strand). Cytogenetic location: 9q34.3.
Variant type: single nucleotide variant.
Coding change: c.739C>T on transcript NM_001130969.3 (MANE Select); coding-DNA position 739, C replaced by T.
Protein change: p.Arg247Cys; replaces arginine 247 with cysteine.
Molecular consequence: missense variant. On other transcripts: intron variant (2).
Genome position (GRCh38, 1-based): chr9:137,455,279, G>A on the plus strand (C>T on the coding strand, the complement: NSMF is on the minus strand). VCF-style: chr9-137455279-G-A. GRCh37 (hg19) VCF-style: chr9-140349731-G-A.
Other names: c.739C>T, p.Arg247Cys (NM_001178064.2); c.733C>T, p.Arg245Cys (NM_015537.5); c.705-836C>T (NM_001130971.2); c.710+350C>T (NM_001130970.2); short protein forms R245C, R247C.
Identifiers: ClinVar variation 4693471 (VCV004693471.1).